The following is an entry in ClinVar:

NM_025233.7(COASY):c.818A>G (p.Tyr273Cys)

Gene: COASY (Coenzyme A synthase; plus strand). Cytogenetic location: 17q21.2.
Variant type: single nucleotide variant.
Coding change: c.818A>G on transcript NM_025233.7 (MANE Select); coding-DNA position 818, A replaced by G.
Protein change: p.Tyr273Cys; replaces tyrosine 273 with cysteine.
Molecular consequence: missense variant.
Genome position (GRCh38, 1-based): chr17:42,564,078, A>G. VCF-style: chr17-42564078-A-G. GRCh37 (hg19) VCF-style: chr17-40716096-A-G.
Other names: c.818A>G, p.Tyr273Cys (NM_001042529.3); c.905A>G, p.Tyr302Cys (NM_001042532.4); short protein forms Y273C, Y302C.
Identifiers: ClinVar variation 3901662 (VCV003901662.1).
Genomic context (GRCh38, chr17:42,564,078, plus strand): 5'-AATTCCTGGTGGACATCAAGCCCTCCTTGACTTTTGATGTCATCCCCCTGCTGGACCCCT[A>G]TGGGCCCGCTGGCTCTGACCCCTCCCTGGAGTTCCTGGTGGTCAGCGAGGAGACCTATCG-3'
Protein context (NP_079509.5, residues 263-283): TFDVIPLLDP[Tyr273Cys]GPAGSDPSLE

ClinVar aggregate classification (germline): Uncertain significance (1 of 4 stars; one submission).

gnomAD v4.1: 4 of 1,613,612 alleles (0.00025%); highest among the groups gnomAD compares: African/African-American, 0.0027%; no homozygotes.

Submission:

GeneDx
Classification: Uncertain significance. Last evaluated: 2024-12-03. Review status: criteria provided, single submitter. Criteria: GeneDx Variant Classification Process June 2021. Collection method: clinical testing. Allele origin: germline. Affected: yes.
Comment: In silico analysis supports that this missense variant has a deleterious effect on protein structure/function; Has not been previously published as pathogenic or benign to our knowledge